The following is an entry in ClinVar:

ClinVar aggregate classification (germline): Likely benign (1 of 4 stars; one submission).

Submission:

CeGaT Center for Human Genetics Tuebingen
Classification: Likely benign. Last evaluated: 2023-10-01. Review status: criteria provided, single submitter. Criteria: CeGaT Center For Human Genetics Tuebingen Variant Classification Criteria Version 2. Collection method: clinical testing. Allele origin: germline. Affected: yes. Observed: 1 variant allele.
Comment: EEF1A2: PM2:Supporting, BP4, BP7

NM_001958.5(EEF1A2):c.99T>A (p.Gly33=)

Gene: EEF1A2 (eukaryotic translation elongation factor 1 alpha 2; minus strand). Cytogenetic location: 20q13.33.
Variant type: single nucleotide variant.
Coding change: c.99T>A on transcript NM_001958.5 (MANE Select); coding-DNA position 99, T replaced by A.
Protein change: p.Gly33=; no amino-acid change (glycine 33 retained).
Molecular consequence: synonymous variant.
Genome position (GRCh38, 1-based): chr20:63,497,665, A>T on the plus strand (T>A on the coding strand, the complement: EEF1A2 is on the minus strand). VCF-style: chr20-63497665-A-T. GRCh37 (hg19) VCF-style: chr20-62129018-A-T.
Identifiers: ClinVar variation 2652543 (VCV002652543.24), dbSNP rs2516786899, ClinGen allele CA511207961.